The following is an entry in ClinVar:

NC_000009.11:g.(?_116917341)_(116918270_?)del

Gene: COL27A1 (collagen type XXVII alpha 1 chain; plus strand). Cytogenetic location: 9q32.
Variant type: Deletion.
Identifiers: ClinVar variation 2427081 (VCV002427081.4).

ClinVar aggregate classification (germline): Pathogenic (1 of 4 stars; one submission).

Submission:

Labcorp Genetics (formerly Invitae), Labcorp
Classification: Pathogenic. Last evaluated: 2022-06-04. Review status: criteria provided, single submitter. Criteria: Invitae Variant Classification Sherloc (09022015). Collection method: clinical testing. Allele origin: germline.
Comment: For these reasons, this variant has been classified as Pathogenic. This variant has not been reported in the literature in individuals affected with COL27A1-related conditions. This variant results in the deletion of part of exon 1 (c.-890_41del) of the COL27A1 gene. It is expected to result in an absent or disrupted protein product. Loss-of-function variants in COL27A1 are known to be pathogenic (PMID: 24986830, 28276056).

Literature cited by the submitters: PubMed 24986830; PubMed 28276056.